The following is an entry in ClinVar:

NM_001035.3(RYR2):c.4703C>A (p.Ala1568Glu)

Gene: RYR2 (ryanodine receptor 2; plus strand). Cytogenetic location: 1q43.
Variant type: single nucleotide variant.
Coding change: c.4703C>A on transcript NM_001035.3 (MANE Select); coding-DNA position 4703, C replaced by A.
Protein change: p.Ala1568Glu; replaces alanine 1568 with glutamic acid.
Molecular consequence: missense variant.
Genome position (GRCh38, 1-based): chr1:237,610,781, C>A. VCF-style: chr1-237610781-C-A. GRCh37 (hg19) VCF-style: chr1-237774081-C-A.
Other names: short protein forms A1568E.
Identifiers: ClinVar variation 3385729 (VCV003385729.1).

ClinVar aggregate classification (germline): Uncertain significance (1 of 4 stars; one submission).

Conditions:
Catecholaminergic polymorphic ventricular tachycardia (CVPT). Also called: Catecholamine-induced polymorphic ventricular tachycardia. Identifiers: Orphanet 3286, MedGen C5574922, MONDO:0017990.

Submission:

All of Us Research Program, National Institutes of Health
Classification: Uncertain significance for Catecholaminergic polymorphic ventricular tachycardia. Last evaluated: 2024-07-29. Review status: criteria provided, single submitter. Criteria: ACMG Guidelines, 2015. Collection method: clinical testing. Allele origin: germline. Inheritance: Autosomal dominant inheritance. Observed: 1 variant allele, 1 heterozygote.
Comment: This missense variant replaces alanine with glutamic acid at codon 1568 of the RYR2 protein. Computational prediction suggests that this variant may have deleterious impact on protein structure and function (internally defined REVEL score threshold >= 0.7, PMID: 27666373). To our knowledge, functional studies have not been reported for this variant. This variant has not been reported in individuals affected with RYR2-related disorders in the literature. This variant has not been identified in the general population by the Genome Aggregation Database (gnomAD). The available evidence is insufficient to determine the role of this variant in disease conclusively. Therefore, this variant is classified as a Variant of Uncertain Significance.

This study involves interpretation of variants in research participants for the purpose of population health screening. Participant phenotype was not available at the time of variant classification. Additional details can be found in publication PMID: 35346344, PMCID: PMC8962531